The following is an entry in ClinVar:

NM_000090.4(COL3A1):c.1972G>A (p.Glu658Lys)

Gene: COL3A1 (collagen type III alpha 1 chain; plus strand). Cytogenetic location: 2q32.2.
Variant type: single nucleotide variant.
Coding change: c.1972G>A on transcript NM_000090.4 (MANE Select); coding-DNA position 1972, G replaced by A.
Protein change: p.Glu658Lys; replaces glutamic acid 658 with lysine.
Molecular consequence: missense variant.
Genome position (GRCh38, 1-based): chr2:188,998,314, G>A. VCF-style: chr2-188998314-G-A. GRCh37 (hg19) VCF-style: chr2-189863040-G-A.
Other names: p.Glu658Lys; short protein forms E658K.
Identifiers: ClinVar variation 459772 (VCV000459772.19), dbSNP rs189846410, ClinGen allele CA074843.

ClinVar aggregate classification (germline): Uncertain significance. Review status: criteria provided, multiple submitters, no conflicts (2 of 4 stars). 9 submissions from 9 submitters: Uncertain significance (9). Last evaluated 2026-05-29.

Conditions:
Polymicrogyria with or without vascular-type Ehlers-Danlos syndrome. Identifiers: Orphanet 636941, MedGen C5193040, MONDO:0032688, OMIM 618343.
Ehlers-Danlos syndrome, type 4 (EDSVASC). Also called: Ehlers-Danlos syndrome vascular type; Ehlers Danlos syndrome, ecchymotic type; Ehlers Danlos syndrome, arterial type; Ehlers Danlos syndrome, Sack-Barabas type; Ehlers-Danlos Syndrome Type IV. Identifiers: Orphanet 286, MedGen C0268338, MONDO:0017314, OMIM 130050.
COL3A1-related disorder. Also called: COL3A1-related condition.
Familial thoracic aortic aneurysm and aortic dissection (TAAD). Also called: Thoracic aortic aneurysms and dissections. Identifiers: Orphanet 91387, MedGen C4707243, MONDO:0019625.

Allele frequency attached by ClinVar (database versions not stated): ExAC 0.00001; gnomAD 0.00001; gnomAD exomes 0.00001; TOPMed 0.00001; 1000 Genomes Project 30x 0.00016; 1000 Genomes Project 0.00020.
gnomAD v4.1: 16 of 1,613,492 alleles (0.00099%); highest among the groups gnomAD compares: African/African-American, 0.0027%; no homozygotes.

Submissions (9):

Women's Health and Genetics/Laboratory Corporation of America, LabCorp
Classification: Uncertain significance. Last evaluated: 2026-05-29. Review status: criteria provided, single submitter. Criteria: LabCorp Variant Classification Summary - May 2015. Collection method: clinical testing. Allele origin: germline.
Comment: Variant summary: COL3A1 c.1972G>A (p.Glu658Lys) results in a conservative amino acid change in the encoded protein sequence. Algorithms developed to predict the effect of missense changes on protein structure and function are either unavailable or do not agree on the potential impact of this missense change. The variant allele was found at a frequency of 8e-06 in 250616 control chromosomes. The available data on variant occurrences in the general population are insufficient to allow any conclusion about variant significance. c.1972G>A has been observed in one individual affected with Ehlers-Danlos syndrome and mitral valve infective endocarditis. The report does not provide unequivocal conclusions about association of the variant with disease. To our knowledge, no experimental evidence demonstrating an impact on protein function has been reported. The following publication have been ascertained in the context of this evaluation (PMID: 30627513). ClinVar contains an entry for this variant (Variation ID: 459772). Based on the evidence outlined above, the variant was classified as uncertain significance.

PreventionGenetics, part of Exact Sciences
Classification: Uncertain significance for COL3A1-related condition. Last evaluated: 2026-05-04. Review status: criteria provided, single submitter. Criteria: ACMG Guidelines, 2015. Collection method: clinical testing. Allele origin: germline.
Comment: The COL3A1 c.1972G>A variant is predicted to result in the amino acid substitution p.Glu658Lys. To our knowledge, this variant has not been reported in the literature. This variant is reported in 0.0062% of alleles in individuals of African descent in gnomAD. At this time, the clinical significance of this variant is uncertain due to the absence of conclusive functional and genetic evidence.

Labcorp Genetics (formerly Invitae), Labcorp
Classification: Uncertain significance for Ehlers-Danlos syndrome, type 4. Last evaluated: 2026-02-01. Review status: criteria provided, single submitter. Criteria: Invitae Variant Classification Sherloc (09022015). Collection method: clinical testing. Allele origin: germline.
Comment: This sequence change replaces glutamic acid, which is acidic and polar, with lysine, which is basic and polar, at codon 658 of the COL3A1 protein (p.Glu658Lys). This variant is present in population databases (rs189846410, gnomAD 0.007%). This variant has not been reported in the literature in individuals affected with COL3A1-related conditions. ClinVar contains an entry for this variant (Variation ID: 459772). Invitae Evidence Modeling of protein sequence and biophysical properties (such as structural, functional, and spatial information, amino acid conservation, physicochemical variation, residue mobility, and thermodynamic stability) indicates that this missense variant is not expected to disrupt COL3A1 protein function with a negative predictive value of 95%. In summary, the available evidence is currently insufficient to determine the role of this variant in disease. Therefore, it has been classified as a Variant of Uncertain Significance.

GeneDx
Classification: Uncertain significance. Last evaluated: 2025-09-06. Review status: criteria provided, single submitter. Criteria: GeneDx Variant Classification Process June 2021. Collection method: clinical testing. Allele origin: germline.
Comment: Not observed at significant frequency in large population cohorts (gnomAD); In silico analysis supports that this missense variant has a deleterious effect on protein structure/function; Other COL3A1 variants that result in a X-position substitution of glutamic acid with lysine have been reported in association with EDS; however, it is unknown whether this variant would have similar effect (PMID: 30837697); This variant is associated with the following publications: (PMID: 30627513, 30837697)

Mayo Clinic Laboratories, Mayo Clinic
Classification: Uncertain significance. Last evaluated: 2025-09-04. Review status: criteria provided, single submitter. Criteria: ACMG Guidelines, 2015. Collection method: clinical testing. Allele origin: germline. Observed: 1 variant allele.

Ambry Genetics
Classification: Uncertain significance for Familial thoracic aortic aneurysm and aortic dissection. Last evaluated: 2024-10-11. Review status: criteria provided, single submitter. Criteria: Ambry Variant Classification Scheme 2023. Collection method: clinical testing. Allele origin: germline.
Comment: The p.E658K variant (also known as c.1972G>A), located in coding exon 28 of the COL3A1 gene, results from a G to A substitution at nucleotide position 1972. The glutamic acid at codon 658 is replaced by lysine, an amino acid with similar properties. This amino acid position is well conserved in available vertebrate species. In addition, the in silico prediction for this alteration is inconclusive. Based on the available evidence, the clinical significance of this variant remains unclear.

Color Diagnostics, LLC DBA Color Health
Classification: Uncertain significance for Familial thoracic aortic aneurysm and aortic dissection. Last evaluated: 2024-03-06. Review status: criteria provided, single submitter. Criteria: ACMG Guidelines, 2015. Collection method: clinical testing. Allele origin: germline.
Comment: This missense variant replaces glutamic acid with lysine at codon 658 of the COL3A1 protein. Computational prediction suggests that this variant may not impact protein structure and function (internally defined REVEL score threshold <= 0.5, PMID: 27666373). To our knowledge, functional studies have not been reported for this variant. This variant has not been reported in individuals affected with cardiovascular disorders in the literature. This variant has been identified in 2/250616 chromosomes in the general population by the Genome Aggregation Database (gnomAD). The available evidence is insufficient to determine the role of this variant in disease conclusively. Therefore, this variant is classified as a Variant of Uncertain Significance.

All of Us Research Program, National Institutes of Health
Classification: Uncertain significance for Ehlers-Danlos syndrome, type 4. Last evaluated: 2024-01-11. Review status: criteria provided, single submitter. Criteria: ACMG Guidelines, 2015. Collection method: clinical testing. Allele origin: germline. Inheritance: Autosomal dominant inheritance. Observed: 3 variant alleles, 3 heterozygotes.
Comment: This missense variant replaces glutamic acid with lysine at codon 658 of the COL3A1 protein. Computational prediction suggests that this variant may not impact protein structure and function (internally defined REVEL score threshold <= 0.5, PMID: 27666373). To our knowledge, functional studies have not been reported for this variant. This variant has not been reported in individuals affected with cardiovascular disorders in the literature. This variant has been identified in 2/250616 chromosomes in the general population by the Genome Aggregation Database (gnomAD). The available evidence is insufficient to determine the role of this variant in disease conclusively. Therefore, this variant is classified as a Variant of Uncertain Significance.

This study involves interpretation of variants in research participants for the purpose of population health screening. Participant phenotype was not available at the time of variant classification. Additional details can be found in publication PMID: 35346344, PMCID: PMC8962531

Fulgent Genetics
Classification: Uncertain significance for Ehlers-Danlos syndrome, type 4; Polymicrogyria with or without vascular-type Ehlers-Danlos syndrome. Last evaluated: 2021-11-10. Review status: criteria provided, single submitter. Criteria: ACMG Guidelines, 2015. Collection method: clinical testing. Allele origin: unknown.

Literature cited by the submitters: PubMed 30627513 (cited by Women's Health and Genetics/Laboratory Corporation of America, LabCorp).